The following is an entry in ClinVar:

ClinVar aggregate classification (germline): Uncertain significance (1 of 4 stars; one submission).

Submission:

Illumina Laboratory Services, Illumina
Classification: Uncertain significance. Last evaluated: 2021-06-09. Review status: criteria provided, single submitter. Criteria: ICSL CNVClassificationCriteria Aug2020. Collection method: clinical testing. Allele origin: unknown.
Comment: This CNV is an inherited 1.4 Mb deletion of 3p14.1 on chromosome 3, (seq[GRCh37]del(3)(p14.1); chr3:g.67610844_69023278del). This CNV constitutes a loss affecting three protein-coding genes: TAFA1, TAFA4 and SUCLG2. Patients with similar losses in this region have not been reported in the peer-reviewed literature. A small number of both smaller and larger deletions in the region are observed in cases in the human genome browser at UCSC (Kent et al. 2002), but these variants are considered of uncertain significance and have not been associated with a consistent phenotype. At least one overlapping deletion has been observed in controls. Based on the available evidence this CNV is classified as a variant of uncertain significance.

Literature cited by the submitters: PubMed 12045153.

GRCh37/hg19 3p14.1(chr3:67610844-69023278)x1

Genes: SUCLG2 (succinate-CoA ligase GDP-forming subunit beta; minus strand), TAFA1 (TAFA chemokine like family member 1; plus strand), TAFA4 (TAFA chemokine like family member 4; minus strand). Cytogenetic location: 3p14.1.
Variant type: copy number loss.
Change: copy number 1 (one copy instead of two) of chr3:67,610,844-69,023,278 (1.41 Mb, GRCh37 coordinates, 1-based), cytogenetic band 3p14.1.
Identifiers: ClinVar variation 1328452 (VCV001328452.4).